The following is an entry in ClinVar:

NM_001277115.2(DNAH11):c.4501-7A>T

Gene: DNAH11 (dynein axonemal heavy chain 11; plus strand). Cytogenetic location: 7p15.3.
Variant type: single nucleotide variant.
Coding change: c.4501-7A>T on transcript NM_001277115.2 (MANE Select); 7 bases into the intron before coding-DNA position 4501, A replaced by T.
Molecular consequence: intron variant.
Genome position (GRCh38, 1-based): chr7:21,635,864, A>T. VCF-style: chr7-21635864-A-T. GRCh37 (hg19) VCF-style: chr7-21675482-A-T.
Other names: p.?.
Identifiers: ClinVar variation 220718 (VCV000220718.67), dbSNP rs62447794, ClinGen allele CA348176.

ClinVar aggregate classification (germline): Benign/Likely benign. Review status: criteria provided, multiple submitters, no conflicts (2 of 4 stars). 9 submissions from 9 submitters: Benign (4); Likely benign (3). 2 of the submissions do not count toward it. Last evaluated 2026-07-01.

Conditions:
Primary ciliary dyskinesia. Also called: Ciliary dyskinesia. Identifiers: Orphanet 244, MedGen C0008780, MONDO:0016575, HP:0012265.
Primary ciliary dyskinesia 7. Also called: CILIARY DYSKINESIA, PRIMARY, 7, WITH OR WITHOUT SITUS INVERSUS. Identifiers: Orphanet 244, MedGen C2678473, MONDO:0012748, OMIM 611884.

Allele frequency attached by ClinVar (database versions not stated): 1000 Genomes Project 30x 0.00109; 1000 Genomes Project 0.00140; gnomAD 0.00414 and 0.00461; gnomAD exomes 0.00423; TOPMed 0.00455; ESP Exome Variant Server 0.00578; ExAC 0.00848.
gnomAD v4.1: 11,636 of 1,599,572 alleles (0.73%); highest among the groups gnomAD compares: Non-Finnish European, 0.93%; 50 homozygotes.

Submissions (11):

CeGaT Center for Human Genetics Tuebingen
Classification: Likely benign. Last evaluated: 2026-07-01. Review status: criteria provided, single submitter. Criteria: CeGaT Center For Human Genetics Tuebingen Variant Classification Criteria Version 2. Collection method: clinical testing. Allele origin: germline. Affected: yes. Observed: 14 variant alleles.
Comment: DNAH11: BP4, BS2

Labcorp Genetics (formerly Invitae), Labcorp
Classification: Benign for Primary ciliary dyskinesia. Last evaluated: 2026-02-04. Review status: criteria provided, single submitter. Criteria: Invitae Variant Classification Sherloc (09022015). Collection method: clinical testing. Allele origin: germline.

Mayo Clinic Laboratories, Mayo Clinic
Classification: Benign. Last evaluated: 2024-12-20. Review status: criteria provided, single submitter. Criteria: ACMG Guidelines, 2015. Collection method: clinical testing. Allele origin: germline. Observed: 1 variant allele.
Comment: BS1, BS2, BP4

Blueprint Genetics
Classification: Likely benign. Last evaluated: 2024-11-27. Review status: criteria provided, single submitter. Criteria: ACMG Guidelines, 2015. Collection method: clinical testing. Allele origin: germline.

ARUP Laboratories, Molecular Genetics and Genomics, ARUP Laboratories
Classification: Benign for Primary ciliary dyskinesia 7. Last evaluated: 2023-11-07. Review status: criteria provided, single submitter. Criteria: ARUP Molecular Germline Variant Investigation Process 2024. Collection method: clinical testing. Allele origin: germline.

Laboratory for Molecular Medicine, Mass General Brigham Personalized Medicine
Classification: Likely benign. Last evaluated: 2017-07-31. Review status: criteria provided, single submitter. Criteria: LMM Criteria. Collection method: clinical testing. Allele origin: germline. Observed: 1 variant allele.
Comment: c.4501-7A>T in intron 25 of DNAH11: This variant is not expected to have clinica l significance because it has been identified in 0.8% (885/116178) of European c hromosomes by the Genome Aggregation Database (gnomAD; dbSNP rs62447794).

PreventionGenetics, part of Exact Sciences
Classification: Benign. Review status: criteria provided, single submitter. Criteria: ACMG Guidelines, 2015. Collection method: clinical testing. Allele origin: germline.

Clinical Genetics DNA and cytogenetics Diagnostics Lab, Erasmus MC, Erasmus Medical Center
Classification: Likely benign. Review status: no assertion criteria provided. Collection method: clinical testing. Allele origin: germline. Affected: yes. Study: VKGL Data-share Consensus. Not counted in ClinVar's aggregate classification.

Dr. Peter K. Rogan Lab, Western University
No classification provided (evidence only). Condition: Lung cancer. Review status: no classification provided. Collection method: in vitro. Allele origin: not applicable. Functional consequence: skipped exon. Not counted in ClinVar's aggregate classification.

Dr. Peter K. Rogan Lab, Western University
No classification provided (evidence only). Condition: Thymoma. Review status: no classification provided. Collection method: in vitro. Allele origin: not applicable. Functional consequence: retained intron. Not counted in ClinVar's aggregate classification.

Laboratory of Diagnostic Genome Analysis, Leiden University Medical Center (LUMC)
Classification: Likely benign. Review status: no assertion criteria provided. Collection method: clinical testing. Allele origin: germline. Affected: yes. Study: VKGL Data-share Consensus. Not counted in ClinVar's aggregate classification.